The following is an entry in ClinVar:

ClinVar aggregate classification (germline): Uncertain significance. Review status: criteria provided, multiple submitters, no conflicts (2 of 4 stars). 2 submissions from 2 submitters: Uncertain significance (2). Last evaluated 2024-12-14.

Allele frequency attached by ClinVar (database versions not stated): ExAC 0.00002; gnomAD exomes 0.00002.
gnomAD v4.1: 22 of 1,592,480 alleles (0.0014%); highest among the groups gnomAD compares: Middle Eastern, 0.017%; 1 homozygote.

Submissions (2):

Ambry Genetics
Classification: Uncertain significance. Last evaluated: 2024-12-14. Review status: criteria provided, single submitter. Criteria: Ambry Variant Classification Scheme 2023. Collection method: clinical testing. Allele origin: germline.

Labcorp Genetics (formerly Invitae), Labcorp
Classification: Uncertain significance. Last evaluated: 2022-06-28. Review status: criteria provided, single submitter. Criteria: Invitae Variant Classification Sherloc (09022015). Collection method: clinical testing. Allele origin: germline.
Comment: This sequence change replaces serine, which is neutral and polar, with leucine, which is neutral and non-polar, at codon 143 of the EPS8L2 protein (p.Ser143Leu). This variant is not present in population databases (gnomAD no frequency). This variant has not been reported in the literature in individuals affected with EPS8L2-related conditions. Algorithms developed to predict the effect of missense changes on protein structure and function output the following: SIFT: "Tolerated"; PolyPhen-2: "Benign"; Align-GVGD: "Class C0". The leucine amino acid residue is found in multiple mammalian species, which suggests that this missense change does not adversely affect protein function. In summary, the available evidence is currently insufficient to determine the role of this variant in disease. Therefore, it has been classified as a Variant of Uncertain Significance.

NM_022772.4(EPS8L2):c.428C>T (p.Ser143Leu)

Gene: EPS8L2 (EPS8 signaling adaptor L2; plus strand). Cytogenetic location: 11p15.5.
Variant type: single nucleotide variant.
Coding change: c.428C>T on transcript NM_022772.4 (MANE Select); coding-DNA position 428, C replaced by T.
Protein change: p.Ser143Leu; replaces serine 143 with leucine.
Molecular consequence: missense variant.
Genome position (GRCh38, 1-based): chr11:720,697, C>T. VCF-style: chr11-720697-C-T. GRCh37 (hg19) VCF-style: chr11-720697-C-T.
Other names: c.428C>T (NM_022772.3); short protein forms S143L.
Identifiers: ClinVar variation 2416064 (VCV002416064.4), dbSNP rs757143018, ClinGen allele CA5787154.